The following is an entry in ClinVar:

NM_024577.4(SH3TC2):c.1691A>G (p.Asp564Gly)

Gene: SH3TC2 (SH3 domain and tetratricopeptide repeats 2; minus strand). Cytogenetic location: 5q32.
Variant type: single nucleotide variant.
Coding change: c.1691A>G on transcript NM_024577.4 (MANE Select); coding-DNA position 1691, A replaced by G.
Protein change: p.Asp564Gly; replaces aspartic acid 564 with glycine.
Molecular consequence: missense variant.
Genome position (GRCh38, 1-based): chr5:149,028,041, T>C on the plus strand (A>G on the coding strand, the complement: SH3TC2 is on the minus strand). VCF-style: chr5-149028041-T-C. GRCh37 (hg19) VCF-style: chr5-148407604-T-C.
Other names: short protein forms D564G.
Identifiers: ClinVar variation 2501663 (VCV002501663.3), dbSNP rs1580900986, ClinGen allele CA361667951.

ClinVar aggregate classification (germline): Pathogenic/Likely pathogenic. Review status: no assertion criteria provided (0 of 4 stars). 2 submissions from 2 submitters: Pathogenic (1); Likely pathogenic (1). Last evaluated 2023-03-01.

Conditions:
Charcot-Marie-Tooth disease type 4C (CMT4C). Also called: Charcot-Marie-Tooth Neuropathy Type 4C (CMT4C); SH3TC2-Related Hereditary Motor and Sensory Neuropathy; CMT 4C; CHARCOT-MARIE-TOOTH DISEASE, DEMYELINATING, TYPE 4C; CHARCOT-MARIE-TOOTH DISEASE, DEMYELINATING, AUTOSOMAL RECESSIVE, TYPE 4C. Identifiers: Orphanet 99949, MedGen C1866636, MONDO:0011113, OMIM 601596.

Submissions (2):

Payam Genetics Center, General Welfare Department of North Khorasan Province
Classification: Pathogenic for Charcot-Marie-Tooth disease type 4C. Last evaluated: 2023-03-01. Review status: no assertion criteria provided. Collection method: clinical testing. Allele origin: germline. Affected: yes. Observed: 1 variant allele.
Comment: The SH3TC2 c.1691A>G (p.Asp564Gly) is a missens mutation and results at the protein level is a dysfunctional predicted lead to disease. This variant is not present in 1000 Genome,ExAC, GnomAD exome, genome Iranian population databases. This variant has not been reported in the literature in individuals affected with SH3TC2-related conditions. For these reasons, this variant has been classified as Pathogenic.

Next Generation Genetic Polyclinic
Classification: Likely pathogenic for Charcot-Marie-Tooth disease type 4C. Review status: no assertion criteria provided. Collection method: clinical testing. Allele origin: inherited. Affected: yes.